The following is an entry in ClinVar:

NM_000289.6(PFKM):c.1343T>C (p.Ile448Thr)

Gene: PFKM (phosphofructokinase, muscle; plus strand). Cytogenetic location: 12q13.11.
Variant type: single nucleotide variant.
Coding change: c.1343T>C on transcript NM_000289.6 (MANE Select); coding-DNA position 1343, T replaced by C.
Protein change: p.Ile448Thr; replaces isoleucine 448 with threonine.
Molecular consequence: missense variant. On other transcripts: non-coding transcript variant (6).
Genome position (GRCh38, 1-based): chr12:48,141,312, T>C. VCF-style: chr12-48141312-T-C. GRCh37 (hg19) VCF-style: chr12-48535095-T-C.
Other names: c.1556T>C, p.Ile519Thr (NM_001166686.2, NM_001354737.1, NM_001354738.1 and 1 more transcripts); c.1343T>C, p.Ile448Thr (NM_001166687.2, NM_001166688.2, NM_001354742.2 and 2 more transcripts); c.1652T>C, p.Ile551Thr (NM_001354735.1, NM_001354736.1); c.1487T>C, p.Ile496Thr (NM_001354740.1); c.1367T>C, p.Ile456Thr (NM_001354741.2); c.1256T>C, p.Ile419Thr (NM_001354745.2); c.1217T>C, p.Ile406Thr (NM_001354746.2); c.1193T>C, p.Ile398Thr (NM_001354747.2, NM_001354748.2); and 1 more; short protein forms I398T, I417T, I551T, I456T, I496T, I419T, I448T, I406T.
Identifiers: ClinVar variation 3417224 (VCV003417224.3).

ClinVar aggregate classification (germline): Uncertain significance. Review status: criteria provided, multiple submitters, no conflicts (2 of 4 stars). 2 submissions from 2 submitters: Uncertain significance (2). Last evaluated 2024-08-20.

Conditions:
Glycogen storage disease, type VII (GSD7). Also called: GSD VII; MUSCLE PHOSPHOFRUCTOKINASE DEFICIENCY; PFKM DEFICIENCY; TARUI DISEASE. Identifiers: Orphanet 371, MedGen C0017926, MONDO:0009295, OMIM 232800.
Inborn genetic diseases. Identifiers: MedGen C0950123, MeSH D030342.

gnomAD v4.1: 2 of 1,614,030 alleles (0.00012%); highest among the groups gnomAD compares: Non-Finnish European, 0.00017%; no homozygotes.

Submissions (2):

Ambry Genetics
Classification: Uncertain significance for Inborn genetic diseases. Last evaluated: 2024-08-20. Review status: criteria provided, single submitter. Criteria: Ambry Variant Classification Scheme 2023. Collection method: clinical testing. Allele origin: germline.

Labcorp Genetics (formerly Invitae), Labcorp
Classification: Uncertain significance for Glycogen storage disease, type VII. Last evaluated: 2024-03-07. Review status: criteria provided, single submitter. Criteria: Invitae Variant Classification Sherloc (09022015). Collection method: clinical testing. Allele origin: germline.
Comment: This sequence change replaces isoleucine, which is neutral and non-polar, with threonine, which is neutral and polar, at codon 448 of the PFKM protein (p.Ile448Thr). This variant is not present in population databases (gnomAD no frequency). This variant has not been reported in the literature in individuals affected with PFKM-related conditions. An algorithm developed to predict the effect of missense changes on protein structure and function (PolyPhen-2) suggests that this variant is likely to be disruptive. In summary, the available evidence is currently insufficient to determine the role of this variant in disease. Therefore, it has been classified as a Variant of Uncertain Significance.